The following is an entry in ClinVar:

ClinVar aggregate classification (germline): Uncertain significance. Review status: criteria provided, multiple submitters, no conflicts (2 of 4 stars). 2 submissions from 2 submitters: Uncertain significance (2). Last evaluated 2025-12-11.

Conditions:
Cardiovascular phenotype. Identifiers: MedGen CN230736.
Hereditary hemorrhagic telangiectasia (HHT). Also called: ORW DISEASE; Osler Weber Rendu syndrome; OSLER-RENDU-WEBER DISEASE; Osler hemorrhagic telangiectasia syndrome. Identifiers: Orphanet 774, MedGen C0039445, MONDO:0019180. Disease mechanism: loss of function.

gnomAD v4.1: 1 of 1,614,204 alleles (0.000062%); highest among the groups gnomAD compares: Non-Finnish European, 0.000085%; no homozygotes.

Submissions (2):

Ambry Genetics
Classification: Uncertain significance for Cardiovascular phenotype. Last evaluated: 2025-12-11. Review status: criteria provided, single submitter. Criteria: Ambry Variant Classification Scheme 2023. Collection method: clinical testing. Allele origin: germline.
Comment: The p.P524S variant (also known as c.1570C>T), located in coding exon 12 of the ENG gene, results from a C to T substitution at nucleotide position 1570. The proline at codon 524 is replaced by serine, an amino acid with similar properties. This amino acid position is conserved. In addition, this alteration is predicted to be tolerated by in silico analysis. Based on the available evidence, the clinical significance of this variant remains unclear.

Labcorp Genetics (formerly Invitae), Labcorp
Classification: Uncertain significance for Hereditary hemorrhagic telangiectasia. Last evaluated: 2024-03-20. Review status: criteria provided, single submitter. Criteria: Invitae Variant Classification Sherloc (09022015). Collection method: clinical testing. Allele origin: germline.
Comment: This sequence change replaces proline, which is neutral and non-polar, with serine, which is neutral and polar, at codon 524 of the ENG protein (p.Pro524Ser). This variant is not present in population databases (gnomAD no frequency). This variant has not been reported in the literature in individuals affected with ENG-related conditions. Advanced modeling of protein sequence and biophysical properties (such as structural, functional, and spatial information, amino acid conservation, physicochemical variation, residue mobility, and thermodynamic stability) performed at Invitae indicates that this missense variant is not expected to disrupt ENG protein function with a negative predictive value of 95%. In summary, the available evidence is currently insufficient to determine the role of this variant in disease. Therefore, it has been classified as a Variant of Uncertain Significance.

NM_001114753.3(ENG):c.1570C>T (p.Pro524Ser)

Genes: ENG (endoglin; minus strand), LOC102723566 (uncharacterized LOC102723566; plus strand). Cytogenetic location: 9q34.11.
Variant type: single nucleotide variant.
Coding change: c.1570C>T on transcript NM_001114753.3 (MANE Select); coding-DNA position 1570, C replaced by T.
Protein change: p.Pro524Ser; replaces proline 524 with serine.
Molecular consequence: missense variant.
Genome position (GRCh38, 1-based): chr9:127,818,236, G>A on the plus strand (C>T on the coding strand, the complement: ENG is on the minus strand). VCF-style: chr9-127818236-G-A. GRCh37 (hg19) VCF-style: chr9-130580515-G-A.
Other names: c.1570C>T (NM_001114753.1); c.1570C>T, p.Pro524Ser (NM_000118.4); c.1024C>T, p.Pro342Ser (NM_001278138.2); short protein forms P342S, P524S.
Identifiers: ClinVar variation 3704964 (VCV003704964.3).